The following is an entry in ClinVar:

NM_017763.6(RNF43):c.1056C>T (p.His352=)

Gene: RNF43 (ring finger protein 43; minus strand). Cytogenetic location: 17q22.
Variant type: single nucleotide variant.
Coding change: c.1056C>T on transcript NM_017763.6 (MANE Select); coding-DNA position 1056, C replaced by T.
Protein change: p.His352=; no amino-acid change (histidine 352 retained).
Molecular consequence: synonymous variant.
Genome position (GRCh38, 1-based): chr17:58,358,720, G>A on the plus strand (C>T on the coding strand, the complement: RNF43 is on the minus strand). VCF-style: chr17-58358720-G-A. GRCh37 (hg19) VCF-style: chr17-56436081-G-A.
Other names: c.1056C>T, p.His352= (NM_001305544.3, NM_001438820.1, NM_001438821.1 and 1 more transcripts); c.675C>T, p.His225= (NM_001305545.2, NM_001437987.1).
Identifiers: ClinVar variation 5042458 (VCV005042458.1).

ClinVar aggregate classification (germline): Benign (1 of 4 stars; one submission).

Conditions:
Sessile serrated polyposis cancer syndrome (SSPCS). Identifiers: Orphanet 157798, MedGen C4310714, MONDO:0014919, OMIM 617108.

gnomAD v4.1: 2 of 1,554,860 alleles (0.00013%); highest among the groups gnomAD compares: Admixed American, 0.0019%; no homozygotes.

Submission:

Myriad Genetics, Inc.
Classification: Benign for Sessile serrated polyposis cancer syndrome. Last evaluated: 2026-07-01. Review status: criteria provided, single submitter. Criteria: Myriad Autosomal Dominant, Autosomal Recessive and X-Linked Classification Criteria (2023). Collection method: clinical testing. Allele origin: unknown.
Comment: This variant is considered benign. This variant is a silent/synonymous amino acid change and it is not expected to impact splicing.